The following is an entry in ClinVar:

NM_201384.3(PLEC):c.8431G>A (p.Ala2811Thr)

Gene: PLEC (plectin; minus strand). Cytogenetic location: 8q24.3.
Variant type: single nucleotide variant.
Coding change: c.8431G>A on transcript NM_201384.3 (MANE Select); coding-DNA position 8431, G replaced by A.
Protein change: p.Ala2811Thr; replaces alanine 2811 with threonine.
Molecular consequence: missense variant.
Genome position (GRCh38, 1-based): chr8:143,921,390, C>T on the plus strand (G>A on the coding strand, the complement: PLEC is on the minus strand). VCF-style: chr8-143921390-C-T. GRCh37 (hg19) VCF-style: chr8-144995558-C-T.
Other names: c.8512G>A, p.Ala2838Thr (NM_000445.5); c.8389G>A, p.Ala2797Thr (NM_201378.4); c.8365G>A, p.Ala2789Thr (NM_201379.3); c.8842G>A, p.Ala2948Thr (NM_201380.4); c.8335G>A, p.Ala2779Thr (NM_201381.3); c.8431G>A, p.Ala2811Thr (NM_201382.4); c.8443G>A, p.Ala2815Thr (NM_201383.3); c.8512G>A (NM_000445.3); short protein forms A2779T, A2789T, A2797T, A2811T, A2815T, A2838T, A2948T.
Identifiers: ClinVar variation 498264 (VCV000498264.13), dbSNP rs782670428, ClinGen allele CA4925318.
Genomic context (GRCh38, chr8:143,921,390, plus strand): 5'-GGTAGGCCACGTCCACGGGCACGCGGTGGCTGTGCACGGGGTCGATAACGCCGCCCGTGG[C>T]GATCTGGGCCTCCAGCAGGCGGATGCCGTGCTCCCGGACGATGAGGCCCTTCTGCATGGC-3'
Protein context (NP_958786.1, residues 2801-2821): HGIRLLEAQI[Ala2811Thr]TGGVIDPVHS

ClinVar aggregate classification (germline): Uncertain significance. Review status: criteria provided, multiple submitters, no conflicts (2 of 4 stars). 4 submissions from 4 submitters: Uncertain significance (4). Last evaluated 2026-04-20.

Conditions:
Autosomal recessive limb-girdle muscular dystrophy type 2Q (LGMDR17). Also called: MUSCULAR DYSTROPHY, LIMB-GIRDLE, AUTOSOMAL RECESSIVE 17. Identifiers: Orphanet 254361, MedGen C3150989, MONDO:0013390, OMIM 613723.
Epidermolysis bullosa simplex 5B, with muscular dystrophy (EBS5B). Also called: EPIDERMOLYSIS BULLOSA SIMPLEX AND LIMB-GIRDLE MUSCULAR DYSTROPHY; Epidermolysis bullosa simplex with muscular dystrophy. Identifiers: Orphanet 257, MedGen C2931072, MONDO:0009181, OMIM 226670.
Epidermolysis bullosa simplex, Ogna type (EBS5A). Also called: Pidermolysis bullosa simplex 5A, Ogna type; EPIDERMOLYSIS BULLOSA SIMPLEX 5A, OGNA TYPE. Identifiers: Orphanet 79401, MedGen C0432317, MONDO:0007555, OMIM 131950.
Epidermolysis bullosa simplex with nail dystrophy (EBS5D). Identifiers: MedGen C4225309, MONDO:0014661, OMIM 616487.
Epidermolysis bullosa simplex 5C, with pyloric atresia (EBS5C). Also called: PLEC-Related Epidermolysis Bullosa with Pyloric Atresia; Epidermolysis bullosa simplex with pyloric atresia; PLEC1-Related Epidermolysis Bullosa with Pyloric Atresia. Identifiers: Orphanet 158684, MedGen C2677349, MONDO:0012807, OMIM 612138.
PLEC-related disorder. Also called: PLEC-related disorders; PLEC-related condition.
Inborn genetic diseases. Identifiers: MedGen C0950123, MeSH D030342.

Allele frequency attached by ClinVar (database versions not stated): gnomAD exomes 0.00001 and 0.00003; TOPMed 0.00001; ExAC 0.00003.
gnomAD v4.1: 14 of 1,613,320 alleles (0.00087%); highest among the groups gnomAD compares: Admixed American, 0.01%; no homozygotes.

Submissions (4):

PreventionGenetics, part of Exact Sciences
Classification: Uncertain significance for PLEC-related condition. Last evaluated: 2026-04-20. Review status: criteria provided, single submitter. Criteria: ACMG Guidelines, 2015. Collection method: clinical testing. Allele origin: germline.
Comment: The PLEC c.8512G>A variant is predicted to result in the amino acid substitution p.Ala2838Thr. To our knowledge, this variant has not been reported in the literature. This variant is reported in 0.012% of alleles in individuals of Latino descent in gnomAD. At this time, the clinical significance of this variant is uncertain due to the absence of conclusive functional and genetic evidence.

Labcorp Genetics (formerly Invitae), Labcorp
Classification: Uncertain significance for Autosomal recessive limb-girdle muscular dystrophy type 2Q; Epidermolysis bullosa simplex, Ogna type; Epidermolysis bullosa simplex with nail dystrophy; Epidermolysis bullosa simplex 5C, with pyloric atresia; Epidermolysis bullosa simplex 5B, with muscular dystrophy. Last evaluated: 2025-06-27. Review status: criteria provided, single submitter. Criteria: Invitae Variant Classification Sherloc (09022015). Collection method: clinical testing. Allele origin: germline.
Comment: This sequence change replaces alanine, which is neutral and non-polar, with threonine, which is neutral and polar, at codon 2838 of the PLEC protein (p.Ala2838Thr). This variant is present in population databases (rs782670428, gnomAD 0.01%). This variant has not been reported in the literature in individuals affected with PLEC-related conditions. ClinVar contains an entry for this variant (Variation ID: 498264). An algorithm developed to predict the effect of missense changes on protein structure and function (PolyPhen-2) suggests that this variant is likely to be disruptive. In summary, the available evidence is currently insufficient to determine the role of this variant in disease. Therefore, it has been classified as a Variant of Uncertain Significance.

Ambry Genetics
Classification: Uncertain significance for Inborn genetic diseases. Last evaluated: 2024-01-23. Review status: criteria provided, single submitter. Criteria: Ambry Variant Classification Scheme 2023. Collection method: clinical testing. Allele origin: germline.

Eurofins Ntd Llc (ga)
Classification: Uncertain significance. Last evaluated: 2017-03-26. Review status: criteria provided, single submitter. Criteria: EGL Classification Definitions 2015. Collection method: clinical testing. Allele origin: germline. Observed: 2 variant alleles, 2 heterozygotes.